The following is an entry in ClinVar:

ClinVar aggregate classification (germline): Uncertain significance. Review status: criteria provided, multiple submitters, no conflicts (2 of 4 stars). 2 submissions from 2 submitters: Uncertain significance (2). Last evaluated 2025-07-22.

Conditions:
Inborn genetic diseases. Identifiers: MedGen C0950123, MeSH D030342.

gnomAD v4.1: 3 of 1,613,838 alleles (0.00019%); highest among the groups gnomAD compares: Non-Finnish European, 0.00025%; no homozygotes.

Submissions (2):

Ambry Genetics
Classification: Uncertain significance for Inborn genetic diseases. Last evaluated: 2025-07-22. Review status: criteria provided, single submitter. Criteria: Ambry Variant Classification Scheme 2023. Collection method: clinical testing. Allele origin: germline.
Comment: The p.T214A variant (also known as c.640A>G), located in coding exon 7 of the DDX41 gene, results from an A to G substitution at nucleotide position 640. The threonine at codon 214 is replaced by alanine, an amino acid with similar properties. This amino acid position is highly conserved in available vertebrate species. In addition, the in silico prediction for this alteration is inconclusive. Based on the available evidence, the clinical significance of this variant remains unclear.

Labcorp Genetics (formerly Invitae), Labcorp
Classification: Uncertain significance. Last evaluated: 2024-09-24. Review status: criteria provided, single submitter. Criteria: Invitae Variant Classification Sherloc (09022015). Collection method: clinical testing. Allele origin: germline.
Comment: This sequence change replaces threonine, which is neutral and polar, with alanine, which is neutral and non-polar, at codon 214 of the DDX41 protein (p.Thr214Ala). This variant is not present in population databases (gnomAD no frequency). This variant has not been reported in the literature in individuals affected with DDX41-related conditions. An algorithm developed to predict the effect of missense changes on protein structure and function (PolyPhen-2) suggests that this variant is likely to be tolerated. In summary, the available evidence is currently insufficient to determine the role of this variant in disease. Therefore, it has been classified as a Variant of Uncertain Significance.

NM_016222.4(DDX41):c.640A>G (p.Thr214Ala)

Gene: DDX41 (DEAD-box helicase 41; minus strand). Cytogenetic location: 5q35.3.
Variant type: single nucleotide variant.
Coding change: c.640A>G on transcript NM_016222.4 (MANE Select); coding-DNA position 640, A replaced by G.
Protein change: p.Thr214Ala; replaces threonine 214 with alanine.
Molecular consequence: missense variant.
Genome position (GRCh38, 1-based): chr5:177,515,190, T>C on the plus strand (A>G on the coding strand, the complement: DDX41 is on the minus strand). VCF-style: chr5-177515190-T-C. GRCh37 (hg19) VCF-style: chr5-176942191-T-C.
Other names: c.262A>G, p.Thr88Ala (NM_001321732.2, NM_001321830.2); c.640A>G (NM_016222.2); short protein forms T214A, T88A.
Identifiers: ClinVar variation 3675222 (VCV003675222.3).
Genomic context (GRCh38, chr5:177,515,190, plus strand): 5'-TGCTCCTCCCTGTTCCAGCCCTCCTCAAGGACCCCAGGTCCACAGTCCACACTCACATGG[T>C]GGGGATGCCCTGGATCTGAATGGGTGTTGGGTGGTGAATGCCTTTCTTCTTCAGGCCTCT-3'
Protein context (NP_057306.2, residues 204-224): PTPIQIQGIP[Thr214Ala]ILSGRDMIGI